The following is an entry in ClinVar:

ClinVar aggregate classification (germline): Uncertain significance (1 of 4 stars; one submission).

gnomAD v4.1: 1 of 1,610,276 alleles (0.000062%); highest among the groups gnomAD compares: Non-Finnish European, 0.000085%; no homozygotes.

Submission:

Ambry Genetics
Classification: Uncertain significance. Last evaluated: 2024-03-21. Review status: criteria provided, single submitter. Criteria: Ambry Variant Classification Scheme 2023. Collection method: clinical testing. Allele origin: germline.
Comment: The p.Q279E variant (also known as c.835C>G), located in coding exon 10 of the NPAT gene, results from a C to G substitution at nucleotide position 835. The glutamine at codon 279 is replaced by glutamic acid, an amino acid with highly similar properties. This amino acid position is conserved. In addition, this alteration is predicted to be tolerated by in silico analysis. Based on the available evidence, the clinical significance of this alteration remains unclear.

NM_002519.3(NPAT):c.835C>G (p.Gln279Glu)

Gene: NPAT (nuclear protein, coactivator of histone transcription; minus strand). Cytogenetic location: 11q22.3.
Variant type: single nucleotide variant.
Coding change: c.835C>G on transcript NM_002519.3 (MANE Select); coding-DNA position 835, C replaced by G.
Protein change: p.Gln279Glu; replaces glutamine 279 with glutamic acid.
Molecular consequence: missense variant.
Genome position (GRCh38, 1-based): chr11:108,185,303, G>C on the plus strand (C>G on the coding strand, the complement: NPAT is on the minus strand). VCF-style: chr11-108185303-G-C. GRCh37 (hg19) VCF-style: chr11-108056030-G-C.
Other names: c.835C>G, p.Gln279Glu (NM_001321307.1); short protein forms Q279E.
Identifiers: ClinVar variation 3300645 (VCV003300645.1).